The following is an entry in ClinVar:

ClinVar aggregate classification (germline): Conflicting classifications of pathogenicity. Review status: criteria provided, conflicting classifications (1 of 4 stars). 2 submissions from 2 submitters: Uncertain significance (1); Likely benign (1). Last evaluated 2025-10-04.

Conditions:
Genitopatellar syndrome (GTPTS). Also called: Genitopatellar syndrome (GPS); ABSENT PATELLAE, SCROTAL HYPOPLASIA, RENAL ANOMALIES, FACIAL DYSMORPHISM, AND MENTAL RETARDATION. Identifiers: Orphanet 85201, MedGen C1853566, MONDO:0011640, OMIM 606170.
Blepharophimosis - intellectual disability syndrome, SBBYS type (SBBYSS). Also called: Say-Barber-Biesecker variant of Ohdo syndrome (SBBYSS); Say-Barber-Biesecker-Young-Simpson variant of Ohdo Syndrome; Say-Barber-Biesecker Variant of Ohdo Syndrome; Young Simpson syndrome; Mental retardation unusual facies hypothyroidism; Ohdo syndrome, SBBYS variant. Identifiers: Orphanet 3047, MedGen C1863557, MONDO:0011365, OMIM 603736.

Allele frequency attached by ClinVar (database versions not stated): TOPMed below 0.00001; gnomAD 0.00001; gnomAD exomes 0.00001.
gnomAD v4.1: 9 of 1,590,594 alleles (0.00057%); highest among the groups gnomAD compares: Admixed American, 0.0017%; no homozygotes.

Submissions (2):

Labcorp Genetics (formerly Invitae), Labcorp
Classification: Likely benign for Genitopatellar syndrome. Last evaluated: 2025-10-04. Review status: criteria provided, single submitter. Criteria: Invitae Variant Classification Sherloc (09022015). Collection method: clinical testing. Allele origin: germline.

Center for Genomics, Ann and Robert H. Lurie Children's Hospital of Chicago
Classification: Uncertain significance for Blepharophimosis - intellectual disability syndrome, SBBYS type; Genitopatellar syndrome. Last evaluated: 2021-03-30. Review status: criteria provided, single submitter. Criteria: ACMG Guidelines, 2015. Collection method: clinical testing. Allele origin: germline.
Comment: KAT6B NM_012330.3 exon 10 c.2116-9A>G: This variant has not been reported in the literature but is present in 1/111342 European alleles in the Genome Aggregation Database. Evolutionary conservation and computational predictive tools for this variant are limited or unavailable. This variant is an intronic variant; splice prediction tools suggest that this variant may not affect splicing. However, further studies are needed to understand its impact. In summary, data on this variant is insufficient for disease classification. Therefore, the clinical significance of this variant is uncertain.

NM_012330.4(KAT6B):c.2116-9A>G

Gene: KAT6B (lysine acetyltransferase 6B; plus strand). Cytogenetic location: 10q22.2.
Variant type: single nucleotide variant.
Coding change: c.2116-9A>G on transcript NM_012330.4 (MANE Select); 9 bases into the intron before coding-DNA position 2116, A replaced by G.
Molecular consequence: intron variant.
Genome position (GRCh38, 1-based): chr10:74,979,215, A>G. VCF-style: chr10-74979215-A-G. GRCh37 (hg19) VCF-style: chr10-76738973-A-G.
Other names: c.1240-9A>G (NM_001370139.1, NM_001370140.1, NM_001370141.1 and 3 more transcripts); c.2116-9A>G (NM_001370136.1, NM_001370137.1); c.1567-9A>G (NM_001370138.1, NM_001256468.2); c.846+9440A>G (NM_001370133.1); c.193-9A>G (NM_001370134.1); c.1051-9A>G (NM_001370143.1, NM_001370144.1); c.193-9804A>G (NM_001370135.1).
Identifiers: ClinVar variation 625964 (VCV000625964.5), dbSNP rs747646395, ClinGen allele CA594400648.